The following is an entry in ClinVar:

ClinVar aggregate classification (germline): Benign/Likely benign. Review status: criteria provided, multiple submitters, no conflicts (2 of 4 stars). 16 submissions from 13 submitters: Benign (13); Likely benign (1). 2 of the submissions do not count toward it. Last evaluated 2026-02-01.

Conditions:
Ehlers-Danlos syndrome (EDS). Identifiers: Orphanet 98249, MedGen C0013720, MONDO:0020066.
Ehlers-Danlos syndrome, arthrochalasia type. Also called: Ehlers-Danlos syndrome, arthrochalasis type; ARTHROCHALASIS MULTIPLEX CONGENITA; EDS VII, MUTANT PROCOLLAGEN TYPE; EDS VIIA; Ehlers-Danlos syndrome, arthrochalasia type, 1. Identifiers: Orphanet 1899, Orphanet 99875, Orphanet 99876, MedGen C4551623, MONDO:0007525, OMIM 130060.
Osteogenesis imperfecta type I (OI1). Also called: Lobstein disease; Osteogenesis imperfecta type 1; Lobstein's Disease; OI, TYPE I; OSTEOGENESIS IMPERFECTA TARDA; OSTEOGENESIS IMPERFECTA WITH BLUE SCLERAE. Identifiers: Orphanet 216796, Orphanet 666, MedGen C0023931, MONDO:0008146, OMIM 166200. Disease mechanism: loss of function.
Infantile cortical hyperostosis. Also called: Caffey Disease; Hyperostosis, Cortical, Congenital; P1PK BLOOD GROUP SYSTEM, P(2) PHENOTYPE. Identifiers: Orphanet 1310, MedGen C0020497, MONDO:0007244, OMIM 114000.
Osteogenesis imperfecta (OI). Identifiers: Orphanet 666, MedGen C0029434, MeSH D010013, MONDO:0019019.

Allele frequency attached by ClinVar (database versions not stated): 1000 Genomes Project 0.02656; 1000 Genomes Project 30x 0.02826.

Submissions (16):

Labcorp Genetics (formerly Invitae), Labcorp
Classification: Benign for Osteogenesis imperfecta type I. Last evaluated: 2026-02-01. Review status: criteria provided, single submitter. Criteria: Invitae Variant Classification Sherloc (09022015). Collection method: clinical testing. Allele origin: germline.

ARUP Laboratories, Molecular Genetics and Genomics, ARUP Laboratories
Classification: Benign. Last evaluated: 2025-07-24. Review status: criteria provided, single submitter. Criteria: ARUP Molecular Germline Variant Investigation Process 2024. Collection method: clinical testing. Allele origin: germline.

Molecular Diagnostic Laboratory for Inherited Cardiovascular Disease, Montreal Heart Institute
Classification: Benign. Last evaluated: 2025-04-09. Review status: criteria provided, single submitter. Criteria: ACMG Guidelines, 2015. Collection method: clinical testing. Allele origin: germline. Affected: no.

Blueprint Genetics
Classification: Likely benign. Last evaluated: 2024-11-26. Review status: criteria provided, single submitter. Criteria: ACMG Guidelines, 2015. Collection method: clinical testing. Allele origin: germline.

Athena Diagnostics
Classification: Benign. Last evaluated: 2024-04-04. Review status: criteria provided, single submitter. Criteria: Athena Diagnostics Criteria. Collection method: clinical testing. Allele origin: unknown.

Genome Diagnostics Laboratory, The Hospital for Sick Children
Classification: Benign for Osteogenesis imperfecta. Last evaluated: 2022-03-19. Review status: criteria provided, single submitter. Criteria: ACMG Guidelines, 2015. Collection method: clinical testing. Allele origin: germline.

Genome Diagnostics Laboratory, The Hospital for Sick Children
Classification: Benign for Ehlers-Danlos syndrome. Last evaluated: 2021-10-19. Review status: criteria provided, single submitter. Criteria: ACMG Guidelines, 2015. Collection method: clinical testing. Allele origin: germline.

Mayo Clinic Laboratories, Mayo Clinic
Classification: Benign. Last evaluated: 2019-08-01. Review status: criteria provided, single submitter. Criteria: ACMG Guidelines, 2015. Collection method: clinical testing. Allele origin: germline. Observed: 36 variant alleles.

Illumina Laboratory Services, Illumina
Classification: Benign for Osteogenesis imperfecta. Last evaluated: 2018-01-13. Review status: criteria provided, single submitter. Criteria: ICSL Variant Classification Criteria 13 December 2019. Collection method: clinical testing. Allele origin: germline.
Comment: This variant was observed in the ICSL laboratory as part of a predisposition screen in an ostensibly healthy population. It had not been previously curated by ICSL or reported in the Human Gene Mutation Database (HGMD: prior to June 1st, 2018), and was therefore a candidate for classification through an automated scoring system. Utilizing variant allele frequency, disease prevalence and penetrance estimates, and inheritance mode, an automated score was calculated to assess if this variant is too frequent to cause the disease. Based on the score and internal cut-off values, a variant classified as benign is not then subjected to further curation. The score for this variant resulted in a classification of benign for this disease.

Illumina Laboratory Services, Illumina
Classification: Benign for Infantile cortical hyperostosis. Last evaluated: 2018-01-13. Review status: criteria provided, single submitter. Criteria: ICSL Variant Classification Criteria 13 December 2019. Collection method: clinical testing. Allele origin: germline.
Comment: the same text as in the submission from Illumina Laboratory Services, Illumina above.

Illumina Laboratory Services, Illumina
Classification: Benign for Ehlers-Danlos syndrome, arthrochalasia type. Last evaluated: 2018-01-13. Review status: criteria provided, single submitter. Criteria: ICSL Variant Classification Criteria 13 December 2019. Collection method: clinical testing. Allele origin: germline.
Comment: the same text as in the submission from Illumina Laboratory Services, Illumina above.

GeneDx
Classification: Benign. Last evaluated: 2016-10-31. Review status: criteria provided, single submitter. Criteria: GeneDx Variant Classification (06012015). Collection method: clinical testing. Allele origin: germline. Affected: yes.
Comment: This variant is considered likely benign or benign based on one or more of the following criteria: it is a conservative change, it occurs at a poorly conserved position in the protein, it is predicted to be benign by multiple in silico algorithms, and/or has population frequency not consistent with disease.

Eurofins Ntd Llc (ga)
Classification: Benign. Last evaluated: 2015-02-05. Review status: criteria provided, single submitter. Criteria: EGL Classification Definitions 2015. Collection method: clinical testing. Allele origin: germline. Observed: 1 variant allele, 1 heterozygote.

Breakthrough Genomics
Classification: Benign. Review status: criteria provided, single submitter. Criteria: ACMG Guidelines, 2015. Collection method: not provided. Allele origin: germline. Inheritance: Autosomal dominant inheritance. Affected: yes.

Genome Diagnostics Laboratory, Amsterdam University Medical Center
Classification: Benign. Review status: no assertion criteria provided. Collection method: clinical testing. Allele origin: germline. Affected: yes. Study: VKGL Data-share Consensus. Not counted in ClinVar's aggregate classification.

Laboratory of Diagnostic Genome Analysis, Leiden University Medical Center (LUMC)
Classification: Likely benign. Review status: no assertion criteria provided. Collection method: clinical testing. Allele origin: germline. Affected: yes. Study: VKGL Data-share Consensus. Not counted in ClinVar's aggregate classification.

NM_000088.4(COL1A1):c.1300-8C>T

Gene: COL1A1 (collagen type I alpha 1 chain; minus strand). Cytogenetic location: 17q21.33.
Variant type: single nucleotide variant.
Coding change: c.1300-8C>T on transcript NM_000088.4 (MANE Select); 8 bases into the intron before coding-DNA position 1300, C replaced by T.
Molecular consequence: intron variant.
Genome position (GRCh38, 1-based): chr17:50,195,108, G>A on the plus strand (C>T on the coding strand, the complement: COL1A1 is on the minus strand). VCF-style: chr17-50195108-G-A. GRCh37 (hg19) VCF-style: chr17-48272469-G-A.
Other names: p.?.
Identifiers: ClinVar variation 195451 (VCV000195451.39), dbSNP rs41317361, ClinGen allele CA201763.
Genomic context (GRCh38, chr17:50,195,108, plus strand): 5'-GGCTCTCCCTTAGCACCAGTGTCTCCTTTGCTGCCAGGAGCACCAGGTTCACCCTGCAAG[G>A]GGGGAGAAGAGGATGAGCTGAGAGTCGGGGGCGCTCAGTTGGCCTGCGTCTTCCTGCTCC-3'